The following is an entry in ClinVar:

ClinVar aggregate classification (germline): Conflicting classifications of pathogenicity. Review status: criteria provided, conflicting classifications (1 of 4 stars). 2 submissions from 2 submitters: Uncertain significance (1); Benign (1). Last evaluated 2023-07-20.

Allele frequency attached by ClinVar (database versions not stated): gnomAD 0.00003; TOPMed 0.00002; gnomAD exomes 0.00003; ExAC 0.00004.
gnomAD v4.1: 53 of 1,613,662 alleles (0.0033%); highest among the groups gnomAD compares: South Asian, 0.0055%; no homozygotes.

Submissions (2):

GeneDx
Classification: Uncertain significance. Last evaluated: 2023-07-20. Review status: criteria provided, single submitter. Criteria: GeneDx Variant Classification Process June 2021. Collection method: clinical testing. Allele origin: germline. Affected: yes.
Comment: In silico analysis supports that this missense variant has a deleterious effect on protein structure/function; Has not been previously published as pathogenic or benign to our knowledge

Labcorp Genetics (formerly Invitae), Labcorp
Classification: Benign. Last evaluated: 2023-06-25. Review status: criteria provided, single submitter. Criteria: Invitae Variant Classification Sherloc (09022015). Collection method: clinical testing. Allele origin: germline.

NM_002473.6(MYH9):c.2341G>A (p.Asp781Asn)

Gene: MYH9 (myosin heavy chain 9; minus strand). Cytogenetic location: 22q12.3.
Variant type: single nucleotide variant.
Coding change: c.2341G>A on transcript NM_002473.6 (MANE Select); coding-DNA position 2341, G replaced by A.
Protein change: p.Asp781Asn; replaces aspartic acid 781 with asparagine.
Molecular consequence: missense variant.
Genome position (GRCh38, 1-based): chr22:36,304,044, C>T on the plus strand (G>A on the coding strand, the complement: MYH9 is on the minus strand). VCF-style: chr22-36304044-C-T. GRCh37 (hg19) VCF-style: chr22-36700090-C-T.
Other names: c.2341G>A (NM_002473.4); short protein forms D781N.
Identifiers: ClinVar variation 2959141 (VCV002959141.4), dbSNP rs766088687, ClinGen allele CA10210011.